The following is an entry in ClinVar:

ClinVar aggregate classification (germline): Uncertain significance (1 of 4 stars; one submission).

Submission:

Labcorp Genetics (formerly Invitae), Labcorp
Classification: Uncertain significance. Last evaluated: 2022-08-31. Review status: criteria provided, single submitter. Criteria: Invitae Variant Classification Sherloc (09022015). Collection method: clinical testing. Allele origin: germline.
Comment: This variant is not present in population databases (gnomAD no frequency). In summary, the available evidence is currently insufficient to determine the role of this variant in disease. Therefore, it has been classified as a Variant of Uncertain Significance. Algorithms developed to predict the effect of sequence changes on RNA splicing suggest that this variant may create or strengthen a splice site. This variant has not been reported in the literature in individuals affected with FAM186B-related conditions. This sequence change affects codon 104 of the FAM186B mRNA. It is a 'silent' change, meaning that it does not change the encoded amino acid sequence of the FAM186B protein.

NM_032130.3(FAM186B):c.312G>A (p.Leu104=)

Gene: FAM186B (family with sequence similarity 186 member B; minus strand). Cytogenetic location: 12q13.12.
Variant type: single nucleotide variant.
Coding change: c.312G>A on transcript NM_032130.3 (MANE Select); coding-DNA position 312, G replaced by A.
Protein change: p.Leu104=; no amino-acid change (leucine 104 retained).
Molecular consequence: synonymous variant. On other transcripts: non-coding transcript variant (1).
Genome position (GRCh38, 1-based): chr12:49,604,323, C>T on the plus strand (G>A on the coding strand, the complement: FAM186B is on the minus strand). VCF-style: chr12-49604323-C-T. GRCh37 (hg19) VCF-style: chr12-49998106-C-T.
Identifiers: ClinVar variation 1975428 (VCV001975428.5), dbSNP rs2547704951, ClinGen allele CA479547656.